The following is an entry in ClinVar:

ClinVar aggregate classification (germline): Uncertain significance. Review status: criteria provided, single submitter (1 of 4 stars). 2 submissions from 2 submitters: Uncertain significance (1). 1 of the submissions does not count toward it. Last evaluated 2022-12-19.

Allele frequency attached by ClinVar (database versions not stated): ExAC 0.00001; gnomAD 0.00001; gnomAD exomes 0.00001; TOPMed 0.00001.
gnomAD v4.1: 1 of 1,209,202 alleles (0.000083%); highest among the groups gnomAD compares: Non-Finnish European, 0.00011%; no homozygotes.

Submissions (2):

Ambry Genetics
Classification: Uncertain significance. Last evaluated: 2022-12-19. Review status: criteria provided, single submitter. Criteria: Ambry Variant Classification Scheme 2023. Collection method: clinical testing. Allele origin: germline.

Department of Pathology and Laboratory Medicine, Sinai Health System
Classification: Uncertain significance. Review status: no assertion criteria provided. Collection method: clinical testing. Allele origin: unknown. Affected: yes. Study: The Canadian Open Genetics Repository (COGR). Not counted in ClinVar's aggregate classification.
Comment: The TBC1D8B p.A545D variant was not identified in the literature nor was it identified in ClinVar. The variant was identified in dbSNP (ID: rs779137693) and in control databases in 1 of 183098 chromosomes (1 hemizygous) at a frequency of 0.000005462 (Genome Aggregation Database March 6, 2019, v2.1.1). The p.A545 residue is conserved in mammals and computational analyses (MUT Assesor, PolyPhen-2, SIFT, MutationTaster, Revel, FATHMM, MetaLR, DANN) suggest that the variant may impact the protein; however this information is not predictive enough to assume pathogenicity. The variant occurs outside of the splicing consensus sequence and in silico or computational prediction software programs (Splice AI exome) do not predict a difference in splicing. In summary, based on the above information the clinical significance of this variant cannot be determined with certainty at this time. This variant is classified as a variant of uncertain significance.

NM_017752.3(TBC1D8B):c.1634C>A (p.Ala545Asp)

Gene: TBC1D8B (TBC1 domain family member 8B; plus strand). Cytogenetic location: Xq22.3.
Variant type: single nucleotide variant.
Coding change: c.1634C>A on transcript NM_017752.3 (MANE Select); coding-DNA position 1634, C replaced by A.
Protein change: p.Ala545Asp; replaces alanine 545 with aspartic acid.
Molecular consequence: missense variant.
Genome position (GRCh38, 1-based): chrX:106,840,799, C>A. VCF-style: chrX-106840799-C-A. GRCh37 (hg19) VCF-style: chrX-106084029-C-A.
Other names: c.1634C>A, p.Ala545Asp (NM_198881.2); c.1634C>A (NM_017752.2); short protein forms A545D.
Identifiers: ClinVar variation 1050312 (VCV001050312.4), dbSNP rs779137693, ClinGen allele CA10483177.
Genomic context (GRCh38, chrX:106,840,799, plus strand): 5'-GCAACTTGGCTACTGAAGAAATTGAACGTGATTTACGTCGCTCTCTGCCTGAGCACCCAG[C>A]CTTTCAGAGTGATACTGGCATATCTGCTCTGAGAAGGGTACTCACAGCTTATGCATACAG-3'
Protein context (NP_060222.2, residues 535-555): DLRRSLPEHP[Ala545Asp]FQSDTGISAL